The following is an entry in ClinVar:

ClinVar aggregate classification (germline): Likely benign (1 of 4 stars; one submission).

Submission:

CeGaT Center for Human Genetics Tuebingen
Classification: Likely benign. Last evaluated: 2026-05-01. Review status: criteria provided, single submitter. Criteria: CeGaT Center For Human Genetics Tuebingen Variant Classification Criteria Version 2. Collection method: clinical testing. Allele origin: germline. Affected: yes. Observed: 1 variant allele.
Comment: KRTAP5-5: BP4, BP7

NM_001001480.3(KRTAP5-5):c.129A>T (p.Gly43=)

Gene: KRTAP5-5 (keratin associated protein 5-5; plus strand). Cytogenetic location: 11p15.5.
Variant type: single nucleotide variant.
Coding change: c.129A>T on transcript NM_001001480.3 (MANE Select); coding-DNA position 129, A replaced by T.
Protein change: p.Gly43=; no amino-acid change (glycine 43 retained).
Molecular consequence: synonymous variant.
Genome position (GRCh38, 1-based): chr11:1,629,969, A>T. VCF-style: chr11-1629969-A-T. GRCh37 (hg19) VCF-style: chr11-1651199-A-T.
Identifiers: ClinVar variation 4083626 (VCV004083626.8).
Genomic context (GRCh38, chr11:1,629,969, plus strand): 5'-CTGTGGCTCCGGCTGTGGAGGCTGTGGCTCTGGCTGTGGGGGCTGTGGCTCCGGCTGTGG[A>T]GGCTGTGGGGGCTGTGGCTCCGGCTGTGCGGGCTGTGGGGGATGTGGCTCCGGCTGCTGT-3'
Protein context (NP_001001480.2, residues 33-53): SGCGGCGSGC[Gly43=]GCGGCGSGCA